The following is an entry in ClinVar:

ClinVar aggregate classification (germline): Uncertain significance. Review status: criteria provided, multiple submitters, no conflicts (2 of 4 stars). 2 submissions from 2 submitters: Uncertain significance (2). Last evaluated 2022-01-28.

Conditions:
Spermatogenic failure 72 (SPGF72). Identifiers: MedGen C5676980, MONDO:0030809, OMIM 619867.
Senior-Loken syndrome 8 (SLSN8). Identifiers: Orphanet 3156, MedGen C4225376, MONDO:0014579, OMIM 616307.
Cranioectodermal dysplasia 4 (CED4). Identifiers: Orphanet 1515, MedGen C3280616, MONDO:0013719, OMIM 614378.
Asphyxiating thoracic dystrophy 5 (SRTD5). Also called: SHORT-RIB THORACIC DYSPLASIA 5 WITHOUT POLYDACTYLY; SHORT-RIB THORACIC DYSPLASIA 5 WITH OR WITHOUT POLYDACTYLY. Identifiers: Orphanet 474, MedGen C3280598, MONDO:0013717, OMIM 614376.
Nephronophthisis 13 (NPHP13). Identifiers: Orphanet 655, MedGen C3280612, MONDO:0013718, OMIM 614377.

Allele frequency attached by ClinVar (database versions not stated): ExAC 0.00001; gnomAD exomes 0.00001.
gnomAD v4.1: 4 of 1,614,032 alleles (0.00025%); highest among the groups gnomAD compares: Admixed American, 0.0067%; no homozygotes.

Submissions (2):

Labcorp Genetics (formerly Invitae), Labcorp
Classification: Uncertain significance for Senior-Loken syndrome 8; Asphyxiating thoracic dystrophy 5. Last evaluated: 2022-01-28. Review status: criteria provided, single submitter. Criteria: Invitae Variant Classification Sherloc (09022015). Collection method: clinical testing. Allele origin: germline.
Comment: This sequence change replaces alanine, which is neutral and non-polar, with valine, which is neutral and non-polar, at codon 873 of the WDR19 protein (p.Ala873Val). This variant is present in population databases (rs746141233, gnomAD 0.009%). This variant has not been reported in the literature in individuals affected with WDR19-related conditions. Algorithms developed to predict the effect of missense changes on protein structure and function are either unavailable or do not agree on the potential impact of this missense change (SIFT: "Tolerated"; PolyPhen-2: "Probably Damaging"; Align-GVGD: "Class C0"). In summary, the available evidence is currently insufficient to determine the role of this variant in disease. Therefore, it has been classified as a Variant of Uncertain Significance.

Fulgent Genetics
Classification: Uncertain significance for Asphyxiating thoracic dystrophy 5; Nephronophthisis 13; Cranioectodermal dysplasia 4; Senior-Loken syndrome 8; Spermatogenic failure 72. Last evaluated: 2021-12-20. Review status: criteria provided, single submitter. Criteria: ACMG Guidelines, 2015. Collection method: clinical testing. Allele origin: unknown.

NM_025132.4(WDR19):c.2618C>T (p.Ala873Val)

Gene: WDR19 (WD repeat domain 19; plus strand). Cytogenetic location: 4p14.
Variant type: single nucleotide variant.
Coding change: c.2618C>T on transcript NM_025132.4 (MANE Select); coding-DNA position 2618, C replaced by T.
Protein change: p.Ala873Val; replaces alanine 873 with valine.
Molecular consequence: missense variant.
Genome position (GRCh38, 1-based): chr4:39,244,525, C>T. VCF-style: chr4-39244525-C-T. GRCh37 (hg19) VCF-style: chr4-39246145-C-T.
Other names: c.2138C>T, p.Ala713Val (NM_001317924.2); short protein forms A713V, A873V.
Identifiers: ClinVar variation 1466378 (VCV001466378.6), dbSNP rs746141233, ClinGen allele CA2892128.